The following is an entry in ClinVar:

ClinVar aggregate classification (germline): Conflicting classifications of pathogenicity. Review status: criteria provided, conflicting classifications (1 of 4 stars). 2 submissions from 2 submitters: Uncertain significance (1); Likely benign (1). Last evaluated 2024-10-21.

Conditions:
Hereditary cancer-predisposing syndrome. Also called: Tumor predisposition; Hereditary Cancer Syndrome; Hereditary neoplastic syndrome; Neoplastic Syndromes, Hereditary. Identifiers: Orphanet 140162, MedGen C0027672, MeSH D009386, MONDO:0015356.
Familial cancer of breast. Also called: hereditary breast carcinoma; BREAST CANCER, FAMILIAL; Hereditary breast cancer. Identifiers: Orphanet 227535, MedGen C0346153, MONDO:0016419, OMIM 114480. Disease mechanism: loss of function.

Submissions (2):

Labcorp Genetics (formerly Invitae), Labcorp
Classification: Uncertain significance for Familial cancer of breast. Last evaluated: 2024-10-21. Review status: criteria provided, single submitter. Criteria: Invitae Variant Classification Sherloc (09022015). Collection method: clinical testing. Allele origin: germline.
Comment: This sequence change replaces serine, which is neutral and polar, with arginine, which is basic and polar, at codon 415 of the PALB2 protein (p.Ser415Arg). This variant is not present in population databases (gnomAD no frequency). This variant has not been reported in the literature in individuals affected with PALB2-related conditions. ClinVar contains an entry for this variant (Variation ID: 486015). Invitae Evidence Modeling of protein sequence and biophysical properties (such as structural, functional, and spatial information, amino acid conservation, physicochemical variation, residue mobility, and thermodynamic stability) indicates that this missense variant is not expected to disrupt PALB2 protein function with a negative predictive value of 80%. In summary, the available evidence is currently insufficient to determine the role of this variant in disease. Therefore, it has been classified as a Variant of Uncertain Significance.

Ambry Genetics
Classification: Likely benign for Hereditary cancer-predisposing syndrome. Last evaluated: 2016-11-16. Review status: criteria provided, single submitter. Criteria: Ambry Variant Classification Scheme 2023. Collection method: clinical testing. Allele origin: germline.

NM_024675.4(PALB2):c.1243A>C (p.Ser415Arg)

Gene: PALB2 (partner and localizer of BRCA2; minus strand). Cytogenetic location: 16p12.2.
Variant type: single nucleotide variant.
Coding change: c.1243A>C on transcript NM_024675.4 (MANE Select); coding-DNA position 1243, A replaced by C.
Protein change: p.Ser415Arg; replaces serine 415 with arginine.
Molecular consequence: missense variant.
Genome position (GRCh38, 1-based): chr16:23,635,303, T>G on the plus strand (A>C on the coding strand, the complement: PALB2 is on the minus strand). VCF-style: chr16-23635303-T-G. GRCh37 (hg19) VCF-style: chr16-23646624-T-G.
Other names: short protein forms S415R.
Identifiers: ClinVar variation 486015 (VCV000486015.16), dbSNP rs1555461376, ClinGen allele CA395132937.